The following is an entry in ClinVar:

ClinVar aggregate classification (germline): Likely benign (1 of 4 stars; one submission).

Conditions:
USH2A-related disorder. Also called: USH2A-related disorders; USH2A-related condition. Identifiers: MedGen CN239332.

Submission:

PreventionGenetics, part of Exact Sciences
Classification: Likely benign for USH2A-related condition. Last evaluated: 2026-09-15. Review status: criteria provided, single submitter. Criteria: ACMG Guidelines, 2015. Collection method: clinical testing. Allele origin: germline.
Comment: This variant is classified as likely benign based on ACMG/AMP sequence variant interpretation guidelines (Richards et al. 2015 PMID: 25741868, with internal and published modifications).

NM_206933.4(USH2A):c.585A>G (p.Gln195=)

Gene: USH2A (usherin; minus strand). Cytogenetic location: 1q41.
Variant type: single nucleotide variant.
Coding change: c.585A>G on transcript NM_206933.4 (MANE Select); coding-DNA position 585, A replaced by G.
Protein change: p.Gln195=; no amino-acid change (glutamine 195 retained).
Molecular consequence: synonymous variant.
Genome position (GRCh38, 1-based): chr1:216,418,580, T>C on the plus strand (A>G on the coding strand, the complement: USH2A is on the minus strand). VCF-style: chr1-216418580-T-C. GRCh37 (hg19) VCF-style: chr1-216591922-T-C.
Other names: c.585A>G, p.Gln195= (NM_007123.6).
Identifiers: ClinVar variation 4988807 (VCV004988807.1).